The following is an entry in ClinVar:

ClinVar aggregate classification (germline): Uncertain significance (1 of 4 stars; one submission).

Submission:

GeneDx
Classification: Uncertain significance. Last evaluated: 2022-09-12. Review status: criteria provided, single submitter. Criteria: GeneDx Variant Classification Process June 2021. Collection method: clinical testing. Allele origin: germline. Affected: yes.
Comment: In silico analysis supports that this missense variant has a deleterious effect on protein structure/function; Not observed at significant frequency in large population cohorts (gnomAD); Has not been previously published as pathogenic or benign to our knowledge

NM_139058.3(ARX):c.1204G>T (p.Gly402Trp)

Gene: ARX (aristaless related homeobox; minus strand). Cytogenetic location: Xp21.3.
Variant type: single nucleotide variant.
Coding change: c.1204G>T on transcript NM_139058.3 (MANE Select); coding-DNA position 1204, G replaced by T.
Protein change: p.Gly402Trp; replaces glycine 402 with tryptophan.
Molecular consequence: missense variant.
Genome position (GRCh38, 1-based): chrX:25,007,355, C>A on the plus strand (G>T on the coding strand, the complement: ARX is on the minus strand). VCF-style: chrX-25007355-C-A. GRCh37 (hg19) VCF-style: chrX-25025472-C-A.
Other names: short protein forms G402W.
Identifiers: ClinVar variation 2443512 (VCV002443512.1), dbSNP rs2048682884, ClinGen allele CA412611507.
Genomic context (GRCh38, chrX:25,007,355, plus strand): 5'-GCGGAGGGAAGGGGCTGGCGTCCAGGTAGGGGCTGAGCGGGTGGGTGGCGGAGAGCGGCC[C>A]CGGGAAGGGCAGCCCAGGGGGGTGGGTCTGCGCGCCTGCCTTCTCCCGCTTGCGCCACTT-3'
Protein context (NP_620689.1, residues 392-412): QTHPPGLPFP[Gly402Trp]PLSATHPLSP